The following is an entry in ClinVar:

NM_003072.5(SMARCA4):c.696_719del (p.229GP[4])

Gene: SMARCA4 (SWI/SNF related BAF chromatin remodeling complex subunit ATPase 4; plus strand). Cytogenetic location: 19p13.2.
Variant type: Deletion.
Coding change: c.696_719del on transcript NM_003072.5 (MANE Select); coding-DNA positions 696 to 719, 24 bases deleted (TGGCCCTGGCCCTGGCCCCGGCCC).
Protein change: p.229GP[4].
Molecular consequence: inframe deletion. On other transcripts: non-coding transcript variant (1).
Genome position (GRCh38, 1-based): chr19:10,986,529-10,986,552, TGGCCCTGGCCCTGGCCCCGGCCC deleted; deleting any 24 consecutive bases within chr19:10,986,521-10,986,552 gives the same sequence; the c. name uses the placement nearest the transcript's 3' end. VCF-style (leftmost placement, unchanged base first): chr19-10986520-ACCCGGCCCTGGCCCTGGCCCTGGC-A. GRCh37 (hg19) VCF-style: chr19-11097196-ACCCGGCCCTGGCCCTGGCCCTGGC-A.
Other names: c.696_719del, p.229GP[4] (NM_001128844.3, NM_001128845.2, NM_001128846.2 and 5 more transcripts).
Identifiers: ClinVar variation 1475884 (VCV001475884.12), dbSNP rs1568423251, ClinGen allele CA914299761.

ClinVar aggregate classification (germline): Uncertain significance. Review status: criteria provided, multiple submitters, no conflicts (2 of 4 stars). 3 submissions from 3 submitters: Uncertain significance (3). Last evaluated 2024-05-21.

Conditions:
Hereditary cancer-predisposing syndrome. Also called: Tumor predisposition; Hereditary neoplastic syndrome; Hereditary Cancer Syndrome; Neoplastic Syndromes, Hereditary. Identifiers: Orphanet 140162, MedGen C0027672, MeSH D009386, MONDO:0015356.
Rhabdoid tumor predisposition syndrome 2 (RTPS2). Identifiers: Orphanet 231108, Orphanet 69077, MedGen C2750074, MONDO:0013224, OMIM 613325.

Submissions (3):

Ambry Genetics
Classification: Uncertain significance for Hereditary cancer-predisposing syndrome. Last evaluated: 2024-05-21. Review status: criteria provided, single submitter. Criteria: Ambry Variant Classification Scheme 2023. Collection method: clinical testing. Allele origin: germline.
Comment: The c.696_719del24 variant (also known as p.G237_P244del) is located in coding exon 3 of the SMARCA4 gene. This variant results from an in-frame TGGCCCTGGCCCTGGCCCCGGCCC deletion at nucleotide positions 696 to 719. This results in the in-frame deletion of eight amino acids (GPGPGPGP) from codon 237 through 244. This amino acid region is well conserved in available vertebrate species. In addition, the in silico prediction for this alteration is inconclusive (Choi Y et al. PLoS ONE. 2012; 7(10):e46688). Missense and in-frame variants in SMARCA4 are known to cause neurodevelopmental disorders; however, such associations with rhabdoid tumor predisposition syndrome including small cell carcinoma of the ovary-hypercalcemic type (SCCOHT) are exceedingly rare (Kosho T et al. Am J Med Genet C Semin Med Genet. 2014 Sep;166C(3):262-75; Jelinic P et al. Nat Genet. 2014 May;46(5):424-6). Based on the supporting evidence, the association of this alteration with Coffin-Siris syndrome is unknown; however, the association of this alteration with rhabdoid tumor predisposition syndrome is unlikely.

Labcorp Genetics (formerly Invitae), Labcorp
Classification: Uncertain significance for Rhabdoid tumor predisposition syndrome 2. Last evaluated: 2023-07-31. Review status: criteria provided, single submitter. Criteria: Invitae Variant Classification Sherloc (09022015). Collection method: clinical testing. Allele origin: germline.
Comment: This variant is not present in population databases (gnomAD no frequency). This variant, c.696_719del, results in the deletion of 8 amino acid(s) of the SMARCA4 protein (p.Gly237_Pro244del), but otherwise preserves the integrity of the reading frame. This variant has not been reported in the literature in individuals affected with SMARCA4-related conditions. In summary, the available evidence is currently insufficient to determine the role of this variant in disease. Therefore, it has been classified as a Variant of Uncertain Significance. Experimental studies and prediction algorithms are not available or were not evaluated, and the functional significance of this variant is currently unknown. ClinVar contains an entry for this variant (Variation ID: 1475884).

Blueprint Genetics
Classification: Uncertain significance. Last evaluated: 2021-11-09. Review status: criteria provided, single submitter. Criteria: ACMG Guidelines, 2015. Collection method: clinical testing. Allele origin: germline.